The following is an entry in ClinVar:

ClinVar aggregate classification (germline): Conflicting classifications of pathogenicity. Review status: criteria provided, conflicting classifications (1 of 4 stars). 5 submissions from 5 submitters: Likely pathogenic (1); Uncertain significance (3). 1 of the submissions does not count toward it. Last evaluated 2025-09-25.

Conditions:
Neuropathy, hereditary motor and sensory, type 6A (HMSN6A). Also called: NEUROPATHY, HEREDITARY MOTOR AND SENSORY, TYPE VIA, WITH OPTIC ATROPHY; HMSN VIA; CHARCOT-MARIE-TOOTH DISEASE, TYPE 6A; NEUROPATHY, HEREDITARY MOTOR AND SENSORY, TYPE VIA. Identifiers: MedGen CN305336, MONDO:0011002, OMIM 601152.
Charcot-Marie-Tooth disease, axonal, autosomal recessive, type 2a2b;. Also called: Charcot-Marie-Tooth disease, axonal, type 2A2B; Charcot-Marie-Tooth disease, axonal, autosomal recessive, type 2A2B. Identifiers: MedGen C4310725, MONDO:0014906, OMIM 617087.
Charcot-Marie-Tooth disease type 2. Also called: Charcot-Marie-Tooth type 2. Identifiers: Orphanet 64746, MedGen C0270914, MONDO:0018993.
Inborn genetic diseases. Identifiers: MedGen C0950123, MeSH D030342.
Charcot-Marie-Tooth disease type 2A2. Also called: CHARCOT-MARIE-TOOTH DISEASE, AXONAL, TYPE 2A2; CHARCOT-MARIE-TOOTH DISEASE, NEURONAL, TYPE 2A2; CHARCOT-MARIE-TOOTH DISEASE, AXONAL, AUTOSOMAL DOMINANT, TYPE 2A2A; HEREDITARY MOTOR AND SENSORY NEUROPATHY IIA2; HMSN IIA2; Charcot-Marie-Tooth Neuropathy Type 2A2. Identifiers: Orphanet 99947, MedGen C4721887, MONDO:0012231, OMIM 609260.

Allele frequency attached by ClinVar (database versions not stated): TOPMed 0.00004.
gnomAD v4.1: 48 of 1,614,158 alleles (0.003%); highest among the groups gnomAD compares: South Asian, 0.0044%; no homozygotes.

Submissions (5):

Ambry Genetics
Classification: Uncertain significance for Inborn genetic diseases. Last evaluated: 2025-09-25. Review status: criteria provided, single submitter. Criteria: Ambry Variant Classification Scheme 2023. Collection method: clinical testing. Allele origin: germline.

Labcorp Genetics (formerly Invitae), Labcorp
Classification: Uncertain significance for Charcot-Marie-Tooth disease type 2. Last evaluated: 2025-05-05. Review status: criteria provided, single submitter. Criteria: Invitae Variant Classification Sherloc (09022015). Collection method: clinical testing. Allele origin: germline.
Comment: This sequence change replaces arginine, which is basic and polar, with histidine, which is basic and polar, at codon 663 of the MFN2 protein (p.Arg663His). This variant is present in population databases (rs766735605, gnomAD 0.003%). This variant has not been reported in the literature in individuals affected with MFN2-related conditions. ClinVar contains an entry for this variant (Variation ID: 864524). Invitae Evidence Modeling of protein sequence and biophysical properties (such as structural, functional, and spatial information, amino acid conservation, physicochemical variation, residue mobility, and thermodynamic stability) has been performed for this missense variant. However, the output from this modeling did not meet the statistical confidence thresholds required to predict the impact of this variant on MFN2 protein function. In summary, the available evidence is currently insufficient to determine the role of this variant in disease. Therefore, it has been classified as a Variant of Uncertain Significance.

Genetics and Genomic Medicine Centre, NeuroGen Healthcare, NeuroGen Healthcare
Classification: Uncertain significance for Neuropathy, hereditary motor and sensory, type 6A. Last evaluated: 2024-04-21. Review status: criteria provided, single submitter. Criteria: ACMG Guidelines, 2015. Collection method: clinical testing. Allele origin: unknown. Affected: yes.

Genetics Research Center, University of Social Welfare and Rehabilitation Sciences
Classification: Likely pathogenic for Charcot-Marie-Tooth disease type 2A2. Review status: criteria provided, single submitter. Criteria: ACMG Guidelines, 2015. Collection method: clinical testing. Allele origin: germline. Inheritance: Autosomal dominant inheritance. Affected: yes. Observed: 1 variant allele, 1 heterozygote.
Comment: This variant causes a missense change altering a conserved residue (Phylop100 = 5.6). The variant allele was found at a very low frequency of 0.0000297 in 1,614,158 control chromosomes in the GnomAD database, with no homozygous occurrence. In-silico tool predicts a pathogenic outcome for this variant (REVEL = 0.82). The variant was co-segregated with the disease and was associated with reduced penetrance. Overall, the variant meets PP1, PP2, and PP3 ACMG criteria.

Next Generation Genetic Polyclinic
Classification: Likely pathogenic for Charcot-Marie-Tooth disease, axonal, autosomal recessive, type 2a2b;. Review status: no assertion criteria provided. Collection method: clinical testing. Allele origin: inherited. Affected: yes. Not counted in ClinVar's aggregate classification.

Literature cited by the submitters: PubMed 42236346 (cited by Genetics Research Center, University of Social Welfare and Rehabilitation Sciences).

NM_014874.4(MFN2):c.1988G>A (p.Arg663His)

Gene: MFN2 (mitofusin 2; plus strand). Cytogenetic location: 1p36.22.
Variant type: single nucleotide variant.
Coding change: c.1988G>A on transcript NM_014874.4 (MANE Select); coding-DNA position 1988, G replaced by A.
Protein change: p.Arg663His; replaces arginine 663 with histidine.
Molecular consequence: missense variant.
Genome position (GRCh38, 1-based): chr1:12,007,168, G>A. VCF-style: chr1-12007168-G-A. GRCh37 (hg19) VCF-style: chr1-12067225-G-A.
Other names: c.1988G>A, p.Arg663His (NM_001127660.2); short protein forms R663H.
Identifiers: ClinVar variation 864524 (VCV000864524.14), dbSNP rs766735605, ClinGen allele CA599294.